The following is an entry in ClinVar:

NM_002303.6(LEPR):c.372T>C (p.Asp124=)

Gene: LEPR (leptin receptor; plus strand). Cytogenetic location: 1p31.3.
Variant type: single nucleotide variant.
Coding change: c.372T>C on transcript NM_002303.6 (MANE Select); coding-DNA position 372, T replaced by C.
Protein change: p.Asp124=; no amino-acid change (aspartic acid 124 retained).
Molecular consequence: synonymous variant.
Genome position (GRCh38, 1-based): chr1:65,572,327, T>C. VCF-style: chr1-65572327-T-C. GRCh37 (hg19) VCF-style: chr1-66038010-T-C.
Other names: c.372T>C, p.Asp124= (NM_001003679.3, NM_001003680.3, NM_001198687.2 and 2 more transcripts).
Identifiers: ClinVar variation 4996788 (VCV004996788.1).

ClinVar aggregate classification (germline): Likely benign (1 of 4 stars; one submission).

Conditions:
LEPR-related disorder. Also called: LEPR-related disorders; LEPR-related condition.

Submission:

PreventionGenetics, part of Exact Sciences
Classification: Likely benign for LEPR-related condition. Last evaluated: 2025-04-02. Review status: criteria provided, single submitter. Criteria: ACMG Guidelines, 2015. Collection method: clinical testing. Allele origin: germline.
Comment: This variant is classified as likely benign based on ACMG/AMP sequence variant interpretation guidelines (Richards et al. 2015 PMID: 25741868, with internal and published modifications).